The following is an entry in ClinVar:

NM_001134407.3(GRIN2A):c.1249G>A (p.Val417Ile)

Gene: GRIN2A (glutamate ionotropic receptor NMDA type subunit 2A; minus strand). Cytogenetic location: 16p13.2.
Variant type: single nucleotide variant.
Coding change: c.1249G>A on transcript NM_001134407.3 (MANE Select); coding-DNA position 1249, G replaced by A.
Protein change: p.Val417Ile; replaces valine 417 with isoleucine.
Molecular consequence: missense variant.
Genome position (GRCh38, 1-based): chr16:9,849,835, C>T on the plus strand (G>A on the coding strand, the complement: GRIN2A is on the minus strand). VCF-style: chr16-9849835-C-T. GRCh37 (hg19) VCF-style: chr16-9943692-C-T.
Other names: c.1249G>A, p.Val417Ile (NM_000833.5, NM_001134408.2); short protein forms V417I.
Identifiers: ClinVar variation 411288 (VCV000411288.3), dbSNP rs749504561, ClinGen allele CA7896776.

ClinVar aggregate classification (germline): Uncertain significance (1 of 4 stars; one submission).

Conditions:
Landau-Kleffner syndrome (FESD). Also called: EPILEPSY, FOCAL, WITH SPEECH DISORDER AND WITH OR WITHOUT MENTAL RETARDATION; APHASIA, ACQUIRED, WITH EPILEPSY. Identifiers: Orphanet 1945, Orphanet 725, Orphanet 98818, MedGen C0282512, MONDO:0009509, OMIM 245570.

Allele frequency attached by ClinVar (database versions not stated): ExAC 0.00001; gnomAD 0.00001; TOPMed 0.00001; gnomAD exomes 0.00001.
gnomAD v4.1: 9 of 1,613,848 alleles (0.00056%); highest among the groups gnomAD compares: South Asian, 0.0022%; no homozygotes.

Submission:

Labcorp Genetics (formerly Invitae), Labcorp
Classification: Uncertain significance for Landau-Kleffner syndrome. Last evaluated: 2025-09-23. Review status: criteria provided, single submitter. Criteria: Invitae Variant Classification Sherloc (09022015). Collection method: clinical testing. Allele origin: germline.
Comment: This sequence change replaces valine, which is neutral and non-polar, with isoleucine, which is neutral and non-polar, at codon 417 of the GRIN2A protein (p.Val417Ile). This variant is present in population databases (rs749504561, gnomAD 0.0009%). This variant has not been reported in the literature in individuals affected with GRIN2A-related conditions. ClinVar contains an entry for this variant (Variation ID: 411288). Invitae Evidence Modeling of protein sequence and biophysical properties (such as structural, functional, and spatial information, amino acid conservation, physicochemical variation, residue mobility, and thermodynamic stability) has been performed for this missense variant. However, the output from this modeling did not meet the statistical confidence thresholds required to predict the impact of this variant on GRIN2A protein function. In summary, the available evidence is currently insufficient to determine the role of this variant in disease. Therefore, it has been classified as a Variant of Uncertain Significance.